The following is an entry in ClinVar:

NM_001367561.1(DOCK7):c.4139G>A (p.Arg1380Gln)

Gene: DOCK7 (dedicator of cytokinesis 7; minus strand). Cytogenetic location: 1p31.3.
Variant type: single nucleotide variant.
Coding change: c.4139G>A on transcript NM_001367561.1 (MANE Select); coding-DNA position 4139, G replaced by A.
Protein change: p.Arg1380Gln; replaces arginine 1380 with glutamine.
Molecular consequence: missense variant.
Genome position (GRCh38, 1-based): chr1:62,513,587, C>T on the plus strand (G>A on the coding strand, the complement: DOCK7 is on the minus strand). VCF-style: chr1-62513587-C-T. GRCh37 (hg19) VCF-style: chr1-62979258-C-T.
Other names: c.4139G>A, p.Arg1380Gln (NM_001271999.2, NM_001330614.2); c.4046G>A, p.Arg1349Gln (NM_001272000.2, NM_001272001.2, NM_033407.4); c.4046G>A (NM_033407.2); short protein forms R1380Q, R1349Q.
Identifiers: ClinVar variation 581308 (VCV000581308.7), dbSNP rs368205214, ClinGen allele CA885778.

ClinVar aggregate classification (germline): Uncertain significance. Review status: criteria provided, multiple submitters, no conflicts (2 of 4 stars). 2 submissions from 2 submitters: Uncertain significance (2). Last evaluated 2024-07-30.

Conditions:
Inborn genetic diseases. Identifiers: MedGen C0950123, MeSH D030342.
Developmental and epileptic encephalopathy, 23 (DEE23). Also called: Epileptic encephalopathy, early infantile, 23. Identifiers: Orphanet 411986, MedGen C4014492, MONDO:0014371, OMIM 615859.

Allele frequency attached by ClinVar (database versions not stated): gnomAD 0.00001; ExAC 0.00002; gnomAD exomes 0.00004; ESP Exome Variant Server 0.00008; TOPMed 0.00004.
gnomAD v4.1: 63 of 1,612,312 alleles (0.0039%); highest among the groups gnomAD compares: African/African-American, 0.0053%; no homozygotes.

Submissions (2):

Ambry Genetics
Classification: Uncertain significance for Inborn genetic diseases. Last evaluated: 2024-07-30. Review status: criteria provided, single submitter. Criteria: Ambry Variant Classification Scheme 2023. Collection method: clinical testing. Allele origin: germline.

Labcorp Genetics (formerly Invitae), Labcorp
Classification: Uncertain significance for Developmental and epileptic encephalopathy, 23. Last evaluated: 2024-02-24. Review status: criteria provided, single submitter. Criteria: Invitae Variant Classification Sherloc (09022015). Collection method: clinical testing. Allele origin: germline.
Comment: This sequence change replaces arginine, which is basic and polar, with glutamine, which is neutral and polar, at codon 1380 of the DOCK7 protein (p.Arg1380Gln). This variant is present in population databases (rs368205214, gnomAD 0.007%). This variant has not been reported in the literature in individuals affected with DOCK7-related conditions. ClinVar contains an entry for this variant (Variation ID: 581308). Advanced modeling of protein sequence and biophysical properties (such as structural, functional, and spatial information, amino acid conservation, physicochemical variation, residue mobility, and thermodynamic stability) performed at Invitae indicates that this missense variant is not expected to disrupt DOCK7 protein function with a negative predictive value of 80%. In summary, the available evidence is currently insufficient to determine the role of this variant in disease. Therefore, it has been classified as a Variant of Uncertain Significance.